The following is an entry in ClinVar:

NM_001365951.3(KIF1B):c.5079T>C (p.Ile1693=)

Gene: KIF1B (kinesin family member 1B; plus strand). Cytogenetic location: 1p36.22.
Variant type: single nucleotide variant.
Coding change: c.5079T>C on transcript NM_001365951.3 (MANE Select); coding-DNA position 5079, T replaced by C.
Protein change: p.Ile1693=; no amino-acid change (isoleucine 1693 retained).
Molecular consequence: synonymous variant.
Genome position (GRCh38, 1-based): chr1:10,374,448, T>C. VCF-style: chr1-10374448-T-C. GRCh37 (hg19) VCF-style: chr1-10434506-T-C.
Other names: c.5079T>C, p.Ile1693= (NM_001365952.1); c.4941T>C, p.Ile1647= (NM_015074.3).
Identifiers: ClinVar variation 2638203 (VCV002638203.25), dbSNP rs752044197, ClinGen allele CA582256.

ClinVar aggregate classification (germline): Conflicting classifications of pathogenicity. Review status: criteria provided, conflicting classifications (1 of 4 stars). 2 submissions from 2 submitters: Uncertain significance (1); Likely benign (1). Last evaluated 2025-01-06.

Allele frequency attached by ClinVar (database versions not stated): TOPMed below 0.00001; ExAC 0.00001.
gnomAD v4.1: 4 of 1,614,152 alleles (0.00025%); highest among the groups gnomAD compares: Non-Finnish European, 0.00034%; no homozygotes.

Submissions (2):

Ambry Genetics
Classification: Likely benign. Last evaluated: 2025-01-06. Review status: criteria provided, single submitter. Criteria: Ambry Variant Classification Scheme 2023. Collection method: clinical testing. Allele origin: germline.

CeGaT Center for Human Genetics Tuebingen
Classification: Uncertain significance. Last evaluated: 2024-04-01. Review status: criteria provided, single submitter. Criteria: CeGaT Center For Human Genetics Tuebingen Variant Classification Criteria Version 2. Collection method: clinical testing. Allele origin: germline. Affected: yes. Observed: 1 variant allele.
Comment: KIF1B: PM2, BP4